The following is an entry in ClinVar:

ClinVar aggregate classification (germline): Pathogenic (0 of 4 stars; one submission).

Conditions:
Pseudohypoaldosteronism type 2A (PHA2A). Also called: GORDON HYPERKALEMIA-HYPERTENSION SYNDROME; HYPERTENSIVE HYPERKALEMIA, FAMILIAL. Identifiers: Orphanet 757, Orphanet 88938, MedGen C1840389, MONDO:0007772, OMIM 145260.

Submission:

Richard Lifton Laboratory, Yale University School of Medicine
Classification: Pathogenic for Pseudohypoaldosteronism, type 2. Review status: no assertion criteria provided. Collection method: not provided. Allele origin: germline.
Comment: dominant;intron 9 splice donor
ClinVar note: Converted during submission from pathogenic to Pathogenic.

NM_003590.5(CUL3):c.1377+1dup

Gene: CUL3 (cullin 3; minus strand). Cytogenetic location: 2q36.2.
Variant type: Duplication.
Coding change: c.1377+1dup on transcript NM_003590.5 (MANE Select); the canonical splice donor site of the intron after coding-DNA position 1377, one base duplicated (G; older notation c.1377+1dupG).
Molecular consequence: splice donor variant.
Genome position (GRCh38, 1-based): chr2:224,503,651, C duplicated on the plus strand (G on the coding strand, the reverse complement: CUL3 is on the minus strand); the first of 2 consecutive C bases (chr2:224,503,651-224,503,652); duplicating either gives the same sequence. VCF-style (leftmost placement, unchanged base first): chr2-224503650-A-AC. GRCh37 (hg19) VCF-style: chr2-225368367-A-AC.
Other names: INT9_g(-1)del; K459fs; c.1179+1dup (NM_001257197.2); c.1395+1dup (NM_001257198.2).
Identifiers: ClinVar variation 100524 (VCV000100524.3), dbSNP rs199469659, ClinGen allele CA269964.